The following is an entry in ClinVar:

ClinVar aggregate classification (germline): Uncertain significance. Review status: criteria provided, multiple submitters, no conflicts (2 of 4 stars). 2 submissions from 2 submitters: Uncertain significance (2). Last evaluated 2025-03-26.

Conditions:
Inborn genetic diseases. Identifiers: MedGen C0950123, MeSH D030342.
Osteogenesis imperfecta type 8 (OI8). Identifiers: MedGen C1970458, MONDO:0012581, OMIM 610915.

Allele frequency attached by ClinVar (database versions not stated): ExAC 0.00001; TOPMed 0.00001; gnomAD 0.00003.

Submissions (2):

Ambry Genetics
Classification: Uncertain significance for Inborn genetic diseases. Last evaluated: 2025-03-26. Review status: criteria provided, single submitter. Criteria: Ambry Variant Classification Scheme 2023. Collection method: clinical testing. Allele origin: germline.

Labcorp Genetics (formerly Invitae), Labcorp
Classification: Uncertain significance for Osteogenesis imperfecta type 8. Last evaluated: 2022-06-27. Review status: criteria provided, single submitter. Criteria: Invitae Variant Classification Sherloc (09022015). Collection method: clinical testing. Allele origin: germline.
Comment: This sequence change replaces arginine, which is basic and polar, with serine, which is neutral and polar, at codon 666 of the P3H1 protein (p.Arg666Ser). This variant is present in population databases (rs768372209, gnomAD 0.008%). This variant has not been reported in the literature in individuals affected with P3H1-related conditions. Algorithms developed to predict the effect of missense changes on protein structure and function are either unavailable or do not agree on the potential impact of this missense change (SIFT: "Deleterious"; PolyPhen-2: "Benign"; Align-GVGD: "Class C0"). In summary, the available evidence is currently insufficient to determine the role of this variant in disease. Therefore, it has been classified as a Variant of Uncertain Significance.

NM_022356.4(P3H1):c.1998G>C (p.Arg666Ser)

Gene: P3H1 (prolyl 3-hydroxylase 1; minus strand). Cytogenetic location: 1p34.2.
Variant type: single nucleotide variant.
Coding change: c.1998G>C on transcript NM_022356.4 (MANE Select); coding-DNA position 1998, G replaced by C.
Protein change: p.Arg666Ser; replaces arginine 666 with serine.
Molecular consequence: missense variant.
Genome position (GRCh38, 1-based): chr1:42,747,329, C>G on the plus strand (G>C on the coding strand, the complement: P3H1 is on the minus strand). VCF-style: chr1-42747329-C-G. GRCh37 (hg19) VCF-style: chr1-43213000-C-G.
Other names: c.1998G>C, p.Arg666Ser (NM_001146289.2, NM_001243246.2); short protein forms R666S.
Identifiers: ClinVar variation 1898369 (VCV001898369.3), dbSNP rs768372209, ClinGen allele CA801627.